The following is an entry in ClinVar:

ClinVar aggregate classification (germline): Uncertain significance. Review status: criteria provided, multiple submitters, no conflicts (2 of 4 stars). 5 submissions from 5 submitters: Uncertain significance (4). 1 of the submissions does not count toward it. Last evaluated 2024-05-13.

Conditions:
Asphyxiating thoracic dystrophy 5 (SRTD5). Also called: SHORT-RIB THORACIC DYSPLASIA 5 WITHOUT POLYDACTYLY; SHORT-RIB THORACIC DYSPLASIA 5 WITH OR WITHOUT POLYDACTYLY. Identifiers: Orphanet 474, MedGen C3280598, MONDO:0013717, OMIM 614376.
Nephronophthisis 13 (NPHP13). Identifiers: Orphanet 655, MedGen C3280612, MONDO:0013718, OMIM 614377.
Cranioectodermal dysplasia 4 (CED4). Identifiers: Orphanet 1515, MedGen C3280616, MONDO:0013719, OMIM 614378.
Spermatogenic failure 72 (SPGF72). Identifiers: MedGen C5676980, MONDO:0030809, OMIM 619867.
Senior-Loken syndrome 8 (SLSN8). Identifiers: Orphanet 3156, MedGen C4225376, MONDO:0014579, OMIM 616307.
Retinal dystrophy. Also called: Inherited retinal dystrophy. Identifiers: Orphanet 71862, MedGen C0854723, MeSH D058499, MONDO:0019118, HP:0000556.
Inborn genetic diseases. Identifiers: MedGen C0950123, MeSH D030342.

Allele frequency attached by ClinVar (database versions not stated): gnomAD 0.00001 and 0.00003; TOPMed 0.00001; ExAC 0.00011; gnomAD exomes 0.00012; 1000 Genomes Project 0.00060; 1000 Genomes Project 30x 0.00062.

Submissions (5):

Ambry Genetics
Classification: Uncertain significance for Inborn genetic diseases. Last evaluated: 2024-05-13. Review status: criteria provided, single submitter. Criteria: Ambry Variant Classification Scheme 2023. Collection method: clinical testing. Allele origin: germline.

Blueprint Genetics
Classification: Uncertain significance. Last evaluated: 2024-01-19. Review status: criteria provided, single submitter. Criteria: ACMG Guidelines, 2015. Collection method: clinical testing. Allele origin: germline.

Labcorp Genetics (formerly Invitae), Labcorp
Classification: Uncertain significance for Senior-Loken syndrome 8; Asphyxiating thoracic dystrophy 5. Last evaluated: 2022-09-12. Review status: criteria provided, single submitter. Criteria: Invitae Variant Classification Sherloc (09022015). Collection method: clinical testing. Allele origin: germline.
Comment: This sequence change replaces methionine, which is neutral and non-polar, with valine, which is neutral and non-polar, at codon 1216 of the WDR19 protein (p.Met1216Val). This variant is present in population databases (rs571331592, gnomAD 0.09%). This variant has not been reported in the literature in individuals affected with WDR19-related conditions. ClinVar contains an entry for this variant (Variation ID: 1372340). Algorithms developed to predict the effect of missense changes on protein structure and function (SIFT, PolyPhen-2, Align-GVGD) all suggest that this variant is likely to be tolerated. In summary, the available evidence is currently insufficient to determine the role of this variant in disease. Therefore, it has been classified as a Variant of Uncertain Significance.

Fulgent Genetics
Classification: Uncertain significance for Asphyxiating thoracic dystrophy 5; Nephronophthisis 13; Cranioectodermal dysplasia 4; Senior-Loken syndrome 8; Spermatogenic failure 72. Last evaluated: 2021-12-30. Review status: criteria provided, single submitter. Criteria: ACMG Guidelines, 2015. Collection method: clinical testing. Allele origin: unknown.

Institute of Human Genetics, Univ. Regensburg, Univ. Regensburg
Classification: Uncertain significance for Retinal dystrophy. Last evaluated: 2022-01-01. Review status: no assertion criteria provided. Criteria: ACMG Guidelines, 2015. Collection method: clinical testing. Allele origin: germline. Affected: yes. Not counted in ClinVar's aggregate classification.

NM_025132.4(WDR19):c.3646A>G (p.Met1216Val)

Gene: WDR19 (WD repeat domain 19; plus strand). Cytogenetic location: 4p14.
Variant type: single nucleotide variant.
Coding change: c.3646A>G on transcript NM_025132.4 (MANE Select); coding-DNA position 3646, A replaced by G.
Protein change: p.Met1216Val; replaces methionine 1216 with valine.
Molecular consequence: missense variant.
Genome position (GRCh38, 1-based): chr4:39,274,888, A>G. VCF-style: chr4-39274888-A-G. GRCh37 (hg19) VCF-style: chr4-39276508-A-G.
Other names: c.3646A>G (NM_025132.3); c.3166A>G, p.Met1056Val (NM_001317924.2); short protein forms M1056V, M1216V.
Identifiers: ClinVar variation 1372340 (VCV001372340.7), dbSNP rs571331592, ClinGen allele CA2892439.